The following is an entry in ClinVar:

NM_000231.3(SGCG):c.*167C>T

Gene: SGCG (sarcoglycan gamma; plus strand). Cytogenetic location: 13q12.12.
Variant type: single nucleotide variant.
Coding change: c.*167C>T on transcript NM_000231.3 (MANE Select); 167 bases downstream of the stop codon, C replaced by T.
Molecular consequence: 3 prime UTR variant.
Genome position (GRCh38, 1-based): chr13:23,324,708, C>T. VCF-style: chr13-23324708-C-T. GRCh37 (hg19) VCF-style: chr13-23898847-C-T.
Other names: c.*167C>T (NM_001378244.1, NM_001378245.1, NM_001378246.1).
Identifiers: ClinVar variation 881476 (VCV000881476.4), dbSNP rs145339454, ClinGen allele CA246641584.
Genomic context (GRCh38, chr13:23,324,708, plus strand): 5'-ACGCTTCCAGAGGAACTCAGAAAAAATTATGTGCCAGTGAAAGTGTTTGGACAAAAACTA[C>T]ATGATCTCAAAATGCACGTGGATGTGAGACACAAAAGTTGACAAAATGGAAAAGCAATGT-3'

ClinVar aggregate classification (germline): Likely benign (1 of 4 stars; one submission).

Conditions:
Sarcoglycanopathy. Identifiers: Orphanet 207052, MedGen C2936331, MONDO:0016140.

Allele frequency attached by ClinVar (database versions not stated): gnomAD 0.00002; gnomAD exomes 0.00011; 1000 Genomes Project 30x 0.00047; 1000 Genomes Project 0.00060.
gnomAD v4.1: 57 of 661,458 alleles (0.0086%); highest among the groups gnomAD compares: East Asian, 0.16%; no homozygotes.

Submission:

Illumina Laboratory Services, Illumina
Classification: Likely benign for Sarcoglycanopathy. Last evaluated: 2018-01-12. Review status: criteria provided, single submitter. Criteria: ICSL Variant Classification Criteria 13 December 2019. Collection method: clinical testing. Allele origin: germline.
Comment: This variant was observed in the ICSL laboratory as part of a predisposition screen in an ostensibly healthy population. It had not been previously curated by ICSL or reported in the Human Gene Mutation Database (HGMD: prior to June 1st, 2018), and was therefore a candidate for classification through an automated scoring system. Utilizing variant allele frequency, disease prevalence and penetrance estimates, and inheritance mode, an automated score was calculated to assess if this variant is too frequent to cause the disease. Based on the score and internal cut-off values, a variant classified as likely benign is not then subjected to further curation. The score for this variant resulted in a classification of likely benign for this disease.